The following is an entry in ClinVar:

NM_003836.7(DLK1):c.103G>C (p.Gly35Arg)

Gene: DLK1 (delta like non-canonical Notch ligand 1; plus strand). Cytogenetic location: 14q32.2.
Variant type: single nucleotide variant.
Coding change: c.103G>C on transcript NM_003836.7 (MANE Select); coding-DNA position 103, G replaced by C.
Protein change: p.Gly35Arg; replaces glycine 35 with arginine.
Molecular consequence: missense variant.
Genome position (GRCh38, 1-based): chr14:100,728,431, G>C. VCF-style: chr14-100728431-G-C. GRCh37 (hg19) VCF-style: chr14-101194768-G-C.
Other names: c.103G>C, p.Gly35Arg (NM_001317172.2); short protein forms G35R.
Identifiers: ClinVar variation 1064521 (VCV001064521.3), dbSNP rs762558665, ClinGen allele CA390982647.

ClinVar aggregate classification (germline): Uncertain significance (0 of 4 stars; one submission).

Conditions:
Silver-Russell syndrome 1 (SRS1). Also called: Chromosome 7-Related Russell-Silver Syndrome. Identifiers: Orphanet 813, MedGen C5393125, MONDO:0020796, OMIM 180860.

Submission:

Departement de Genetique, Biologie Moleculaire Endocrinienne, Assistance Publique–Hôpitaux de Paris, Hopital Trousseau
Classification: Uncertain significance for Silver-Russell syndrome 1. Last evaluated: 2021-04-15. Review status: no assertion criteria provided. Collection method: clinical testing. Allele origin: maternal. Inheritance: Autosomal dominant inheritance with maternal imprinting. Affected: yes. Observed: 1 variant allele, 1 heterozygote.
Comment: Gly35 is located within the first EGF-like motif in the extracellular domain of DLK1. As DLK1 is a maternally imprinted/paternally expressed gene, this variant is unlikely to explain the phenotype of the patient